The following is an entry in ClinVar:

NM_001754.5(RUNX1):c.342C>G (p.Ile114Met)

Gene: RUNX1 (RUNX family transcription factor 1; minus strand). Cytogenetic location: 21q22.12.
Variant type: single nucleotide variant.
Coding change: c.342C>G on transcript NM_001754.5 (MANE Select); coding-DNA position 342, C replaced by G.
Protein change: p.Ile114Met; replaces isoleucine 114 with methionine.
Molecular consequence: missense variant.
Genome position (GRCh38, 1-based): chr21:34,886,852, G>C on the plus strand (C>G on the coding strand, the complement: RUNX1 is on the minus strand). VCF-style: chr21-34886852-G-C. GRCh37 (hg19) VCF-style: chr21-36259149-G-C.
Other names: NM_001754.5(RUNX1):c.342C>G; p.Ile114Met; c.261C>G, p.Ile87Met (NM_001001890.3, NM_001122607.2); short protein forms I114M, I87M.
Identifiers: ClinVar variation 2678493 (VCV002678493.2), dbSNP rs201747706, ClinGen allele CA410203376.

ClinVar aggregate classification (germline): Uncertain significance. Review status: reviewed by expert panel (3 of 4 stars). 2 submissions from 2 submitters: Uncertain significance (1). 1 of the submissions does not count toward it. Last evaluated 2024-09-30.

Conditions:
Acute myeloid leukemia (AML). Also called: Acute myeloid leukemia, adult; AML adult; Acute non-lymphocytic leukemia; Acute granulocytic leukemia; Leukemia, acute myelogenous, somatic; Leukemia, acute myeloid, somatic. Identifiers: Orphanet 519, MedGen C0023467, MeSH D015470, MONDO:0018874, OMIM 601626, HP:0004808. Disease mechanism: Constitutively activated FLT3.
Hereditary thrombocytopenia and hematologic cancer predisposition syndrome. Identifiers: Orphanet 71290, MedGen CN281654, MONDO:0011071.

Submissions (2):

ClinGen Myeloid Malignancy Variant Curation Expert Panel
Classification: Uncertain significance for Hereditary thrombocytopenia and hematologic cancer predisposition syndrome. Last evaluated: 2024-09-30. Review status: reviewed by expert panel. Criteria: ClinGen MyeloMalig ACMG Specifications v2. Collection method: curation. Allele origin: germline. Inheritance: Autosomal dominant inheritance.
Comment: NM_001754.5(RUNX1):c.342C>G (p.Ile114Met) is a missense variant which is completely absent from all population databases with at least 20x coverage for RUNX1 (PM2_supporting). This missense variant is located within the Runt Homology Domain (AA 89-204), but does not occur in an established hotspot residue (PM1_supporting). In summary, the clinical significance of this variant is uncertain. ACMG/AMP criteria applied, as specified by the Myeloid Malignancy Variant Curation Expert Panel for RUNX1: PM2_supporting, PM1_supporting.

Baylor Genetics
Classification: Uncertain significance for Acute myeloid leukemia. Last evaluated: 2023-09-01. Review status: criteria provided, single submitter. Criteria: ACMG Guidelines, 2015. Collection method: clinical testing. Allele origin: unknown. Not counted in ClinVar's aggregate classification.